The following is an entry in ClinVar:

NM_000153.4(GALC):c.175G>C (p.Gly59Arg)

Genes: GALC (galactosylceramidase; minus strand), LOC130056217 (ATAC-STARR-seq lymphoblastoid silent region 5988; plus strand). Cytogenetic location: 14q31.3.
Variant type: single nucleotide variant.
Coding change: c.175G>C on transcript NM_000153.4 (MANE Select); coding-DNA position 175, G replaced by C.
Protein change: p.Gly59Arg; replaces glycine 59 with arginine.
Molecular consequence: missense variant. On other transcripts: 5 prime UTR variant (3), non-coding transcript variant (1), intron variant (2).
Genome position (GRCh38, 1-based): chr14:87,992,990, C>G on the plus strand (G>C on the coding strand, the complement: GALC is on the minus strand). VCF-style: chr14-87992990-C-G. GRCh37 (hg19) VCF-style: chr14-88459334-C-G.
Other names: c.175G>C, p.Gly59Arg (NM_001201401.2); c.-96G>C (NM_001424072.1); c.-262G>C (NM_001424075.1); c.-493G>C (NM_001424077.1); c.-473+393G>C (NM_001424076.1); c.117+393G>C (NM_001201402.2); short protein forms G59R.
Identifiers: ClinVar variation 2736148 (VCV002736148.4), dbSNP rs764757647, ClinGen allele CA390771689.
Genomic context (GRCh38, chr14:87,992,990, plus strand): 5'-TCTTGCCGCCCCCCGCGTATCCCCGCAGCTTGCCGCTCACCCCGCCGCCGCTGACCGCGC[C>G]GATGCCGTCGAACTCCCGGCCCAGCCCGTCGGAGTCGTCGAGCACGTACGCGCCGCCGGG-3'
Protein context (NP_000144.2, residues 49-69): DGLGREFDGI[Gly59Arg]AVSGGGATSR

ClinVar aggregate classification (germline): Pathogenic/Likely pathogenic. Review status: criteria provided, multiple submitters, no conflicts (2 of 4 stars). 2 submissions from 2 submitters: Pathogenic (1); Likely pathogenic (1). Last evaluated 2024-01-15.

Conditions:
Galactosylceramide beta-galactosidase deficiency. Also called: GALACTOCEREBROSIDASE DEFICIENCY; GALC DEFICIENCY; GLOBOID CELL LEUKOENCEPHALOPATHY; Leukodystrophy, Globoid Cell; Krabbe Disease. Identifiers: Orphanet 487, MedGen C0023521, MONDO:0009499, OMIM 245200.

gnomAD v4.1: 1 of 1,532,478 alleles (0.000065%); highest among the groups gnomAD compares: East Asian, 0.0026%; no homozygotes.

Submissions (2):

Labcorp Genetics (formerly Invitae), Labcorp
Classification: Pathogenic for Galactosylceramide beta-galactosidase deficiency. Last evaluated: 2024-01-15. Review status: criteria provided, single submitter. Criteria: Invitae Variant Classification Sherloc (09022015). Collection method: clinical testing. Allele origin: germline.
Comment: This sequence change replaces glycine, which is neutral and non-polar, with arginine, which is basic and polar, at codon 59 of the GALC protein (p.Gly59Arg). This variant is not present in population databases (gnomAD no frequency). This missense change has been observed in individual(s) with Krabbe disease (PMID: 10234611, 24252386). This variant is also known as G43R. Advanced modeling of protein sequence and biophysical properties (such as structural, functional, and spatial information, amino acid conservation, physicochemical variation, residue mobility, and thermodynamic stability) performed at Invitae indicates that this missense variant is expected to disrupt GALC protein function with a positive predictive value of 95%. Experimental studies have shown that this missense change affects GALC function (PMID: 10234611). For these reasons, this variant has been classified as Pathogenic.

Clinical Genetics Laboratory, Skane University Hospital Lund
Classification: Likely pathogenic. Last evaluated: 2022-05-27. Review status: criteria provided, single submitter. Criteria: ACMG Guidelines, 2015. Collection method: clinical testing. Allele origin: germline. Affected: yes.

Literature cited by the submitters: PubMed 10234611 (cited by Labcorp Genetics (formerly Invitae), Labcorp); PubMed 24252386 (cited by Labcorp Genetics (formerly Invitae), Labcorp).